The following is an entry in ClinVar:

ClinVar aggregate classification (germline): Pathogenic (1 of 4 stars; one submission).

Conditions:
Peroxisome biogenesis disorder. Identifiers: Orphanet 79189, MedGen C1832200, MONDO:0019234. Disease mechanism: loss of function.

Allele frequency attached by ClinVar (database versions not stated): gnomAD exomes below 0.00001.

Submission:

Labcorp Genetics (formerly Invitae), Labcorp
Classification: Pathogenic for Peroxisome biogenesis disorder. Last evaluated: 2022-03-15. Review status: criteria provided, single submitter. Criteria: Invitae Variant Classification Sherloc (09022015). Collection method: clinical testing. Allele origin: germline.
Comment: For these reasons, this variant has been classified as Pathogenic. This variant has not been reported in the literature in individuals affected with PEX6-related conditions. This variant is present in population databases (no rsID available, gnomAD 0.003%). This sequence change creates a premature translational stop signal (p.Trp249*) in the PEX6 gene. It is expected to result in an absent or disrupted protein product. Loss-of-function variants in PEX6 are known to be pathogenic (PMID: 8670792, 19877282, 21031596).

Literature cited by the submitters: PubMed 8670792; PubMed 19877282; PubMed 21031596.

NM_000287.4(PEX6):c.746G>A (p.Trp249Ter)

Gene: PEX6 (peroxisomal biogenesis factor 6; minus strand). Cytogenetic location: 6p21.1.
Variant type: single nucleotide variant.
Coding change: c.746G>A on transcript NM_000287.4 (MANE Select); coding-DNA position 746, G replaced by A.
Protein change: p.Trp249Ter; replaces tryptophan 249 with a stop codon.
Molecular consequence: nonsense. On other transcripts: non-coding transcript variant (1), intron variant (1).
Genome position (GRCh38, 1-based): chr6:42,978,405, C>T on the plus strand (G>A on the coding strand, the complement: PEX6 is on the minus strand). VCF-style: chr6-42978405-C-T. GRCh37 (hg19) VCF-style: chr6-42946143-C-T.
Other names: c.618+128G>A (NM_001316313.2); short protein forms W249*.
Identifiers: ClinVar variation 2112594 (VCV002112594.4), dbSNP rs1183167782, ClinGen allele CA364162362.